The following is an entry in ClinVar:

ClinVar aggregate classification (germline): Conflicting classifications of pathogenicity. Review status: criteria provided, conflicting classifications (1 of 4 stars). 4 submissions from 4 submitters: Pathogenic (3); Uncertain significance (1). Last evaluated 2026-01-24.

Conditions:
5-Oxoprolinase deficiency (OPLAHD). Also called: 5-OXOPROLINURIA DUE TO 5-OXOPROLINASE DEFICIENCY. Identifiers: Orphanet 33572, MedGen C0268525, MONDO:0009825, OMIM 260005, HP:0040142.

Allele frequency attached by ClinVar (database versions not stated): ExAC 0.00002; gnomAD exomes 0.00003 and 0.00004; TOPMed 0.00003; gnomAD 0.00006.

Submissions (4):

Labcorp Genetics (formerly Invitae), Labcorp
Classification: Pathogenic for 5-Oxoprolinase deficiency. Last evaluated: 2026-01-24. Review status: criteria provided, single submitter. Criteria: Invitae Variant Classification Sherloc (09022015). Collection method: clinical testing. Allele origin: germline.
Comment: This sequence change creates a premature translational stop signal (p.Arg105Thrfs*48) in the OPLAH gene. It is expected to result in an absent or disrupted protein product. Loss-of-function variants in OPLAH are known to be pathogenic (PMID: 21651516, 27477828). This variant is present in population databases (rs782750497, gnomAD 0.02%). This premature translational stop signal has been observed in individual(s) with clinical features of 5-oxoprolinase deficiency (PMID: 27477828). ClinVar contains an entry for this variant (Variation ID: 1179038). For these reasons, this variant has been classified as Pathogenic.

First Genomix Gene Laboratory, Genetic Diagnostics Department
Classification: Pathogenic for 5-Oxoprolinase deficiency. Last evaluated: 2025-02-21. Review status: criteria provided, single submitter. Criteria: ACMG Guidelines, 2015. Collection method: clinical testing. Allele origin: germline. Inheritance: Autosomal recessive inheritance. Affected: no. Observed: 1 variant allele.

Blueprint Genetics
Classification: Uncertain significance. Last evaluated: 2023-05-26. Review status: criteria provided, single submitter. Criteria: ACMG Guidelines, 2015. Collection method: clinical testing. Allele origin: germline.

Fulgent Genetics
Classification: Pathogenic for 5-Oxoprolinase deficiency. Last evaluated: 2022-05-10. Review status: criteria provided, single submitter. Criteria: ACMG Guidelines, 2015. Collection method: clinical testing. Allele origin: unknown.

Literature cited by the submitters: PubMed 21651516 (cited by Labcorp Genetics (formerly Invitae), Labcorp); PubMed 27477828 (cited by Labcorp Genetics (formerly Invitae), Labcorp).

NM_017570.5(OPLAH):c.313_316del (p.Arg105fs)

Gene: OPLAH (5-oxoprolinase, ATP-hydrolysing; minus strand). Cytogenetic location: 8q24.3.
Variant type: Deletion.
Coding change: c.313_316del on transcript NM_017570.5 (MANE Select); coding-DNA positions 313 to 316, 4 bases deleted (CGAG; older notation c.313_316delCGAG).
Protein change: p.Arg105fs; shifts the reading frame from arginine 105.
Molecular consequence: frameshift variant.
Genome position (GRCh38, 1-based): chr8:144,059,646-144,059,649, CTCG deleted on the plus strand (CGAG on the coding strand, the reverse complement: OPLAH is on the minus strand). VCF-style (leftmost placement, unchanged base first): chr8-144059645-TCTCG-T. GRCh37 (hg19) VCF-style: chr8-145114548-TCTCG-T.
Other names: c.313_316delCGAG (NM_017570.5); short protein forms R105fs.
Identifiers: ClinVar variation 1179038 (VCV001179038.13), dbSNP rs782750497, ClinGen allele CA4932326.